The following is an entry in ClinVar:

ClinVar aggregate classification (germline): Benign. Review status: criteria provided, multiple submitters, no conflicts (2 of 4 stars). 2 submissions from 2 submitters: Benign (2). Last evaluated 2026-05-06.

Conditions:
Renal hypomagnesemia 6. Identifiers: Orphanet 34527, MedGen C3151295, MONDO:0013480, OMIM 613882.

Allele frequency attached by ClinVar (database versions not stated): gnomAD exomes 0.00005 and 0.00010; ExAC 0.00010; TOPMed 0.00012; gnomAD 0.00015; ESP Exome Variant Server 0.00016; 1000 Genomes Project 0.00020; 1000 Genomes Project 30x 0.00031.
gnomAD v4.1: 96 of 1,592,586 alleles (0.006%); highest among the groups gnomAD compares: African/African-American, 0.06%; no homozygotes.

Submissions (2):

Revvity Omics, Revvity
Classification: Benign. Last evaluated: 2026-05-06. Review status: criteria provided, single submitter. Criteria: ACMG Guidelines, 2015. Collection method: clinical testing. Allele origin: germline.

Illumina Laboratory Services, Illumina
Classification: Benign for Renal hypomagnesemia 6. Last evaluated: 2018-01-12. Review status: criteria provided, single submitter. Criteria: ICSL Variant Classification Criteria 13 December 2019. Collection method: clinical testing. Allele origin: germline.
Comment: This variant was observed in the ICSL laboratory as part of a predisposition screen in an ostensibly healthy population. It had not been previously curated by ICSL or reported in the Human Gene Mutation Database (HGMD: prior to June 1st, 2018), and was therefore a candidate for classification through an automated scoring system. Utilizing variant allele frequency, disease prevalence and penetrance estimates, and inheritance mode, an automated score was calculated to assess if this variant is too frequent to cause the disease. Based on the score and internal cut-off values, a variant classified as benign is not then subjected to further curation. The score for this variant resulted in a classification of benign for this disease.

NM_017649.5(CNNM2):c.*34C>T

Gene: CNNM2 (cyclin and CBS domain divalent metal cation transport mediator 2; plus strand). Cytogenetic location: 10q24.32.
Variant type: single nucleotide variant.
Coding change: c.*34C>T on transcript NM_017649.5 (MANE Select); 34 bases downstream of the stop codon, C replaced by T.
Molecular consequence: 3 prime UTR variant.
Genome position (GRCh38, 1-based): chr10:103,077,214, C>T. VCF-style: chr10-103077214-C-T. GRCh37 (hg19) VCF-style: chr10-104836971-C-T.
Other names: c.*34C>T (NM_199076.3).
Identifiers: ClinVar variation 877909 (VCV000877909.5), dbSNP rs202217837, ClinGen allele CA5670678.